The following is an entry in ClinVar:

NM_017617.5(NOTCH1):c.6782G>T (p.Gly2261Val)

Gene: NOTCH1 (notch receptor 1; minus strand). Cytogenetic location: 9q34.3.
Variant type: single nucleotide variant.
Coding change: c.6782G>T on transcript NM_017617.5 (MANE Select); coding-DNA position 6782, G replaced by T.
Protein change: p.Gly2261Val; replaces glycine 2261 with valine.
Molecular consequence: missense variant.
Genome position (GRCh38, 1-based): chr9:136,496,957, C>A on the plus strand (G>T on the coding strand, the complement: NOTCH1 is on the minus strand). VCF-style: chr9-136496957-C-A. GRCh37 (hg19) VCF-style: chr9-139391409-C-A.
Other names: short protein forms G2261V.
Identifiers: ClinVar variation 4635474 (VCV004635474.1).

ClinVar aggregate classification (germline): Uncertain significance (1 of 4 stars; one submission).

Conditions:
Familial thoracic aortic aneurysm and aortic dissection (TAAD). Also called: Thoracic aortic aneurysms and dissections. Identifiers: Orphanet 91387, MedGen C4707243, MONDO:0019625.

gnomAD v4.1: 2 of 1,610,940 alleles (0.00012%); highest among the groups gnomAD compares: Non-Finnish European, 0.00017%; no homozygotes.

Submission:

Ambry Genetics
Classification: Uncertain significance for Familial thoracic aortic aneurysm and aortic dissection. Last evaluated: 2025-10-26. Review status: criteria provided, single submitter. Criteria: Ambry Variant Classification Scheme 2023. Collection method: clinical testing. Allele origin: germline.
Comment: The p.G2261V variant (also known as c.6782G>T), located in coding exon 34 of the NOTCH1 gene, results from a G to T substitution at nucleotide position 6782. The glycine at codon 2261 is replaced by valine, an amino acid with dissimilar properties. This amino acid position is conserved. In addition, this alteration is predicted to be tolerated by in silico analysis. Based on the available evidence, the clinical significance of this variant remains unclear.